The following is an entry in ClinVar:

NM_015166.4(MLC1):c.701G>A (p.Trp234Ter)

Gene: MLC1 (modulator of VRAC current 1; minus strand). Cytogenetic location: 22q13.33.
Variant type: single nucleotide variant.
Coding change: c.701G>A on transcript NM_015166.4 (MANE Select); coding-DNA position 701, G replaced by A.
Protein change: p.Trp234Ter; replaces tryptophan 234 with a stop codon.
Molecular consequence: nonsense. On other transcripts: non-coding transcript variant (3).
Genome position (GRCh38, 1-based): chr22:50,074,229, C>T on the plus strand (G>A on the coding strand, the complement: MLC1 is on the minus strand). VCF-style: chr22-50074229-C-T. GRCh37 (hg19) VCF-style: chr22-50512658-C-T.
Other names: c.701G>A, p.Trp234Ter (NM_001376472.1, NM_001376473.1, NM_001376474.1 and 6 more transcripts); c.611G>A, p.Trp204Ter (NM_001376480.1); c.599G>A, p.Trp200Ter (NM_001376481.1); c.545G>A, p.Trp182Ter (NM_001376482.1, NM_001376483.1); c.464G>A, p.Trp155Ter (NM_001376484.1); short protein forms W182*, W200*, W204*, W234*, W155*.
Identifiers: ClinVar variation 843939 (VCV000843939.10), dbSNP rs781004589, ClinGen allele CA10303417.

ClinVar aggregate classification (germline): Pathogenic. Review status: criteria provided, single submitter (1 of 4 stars). 2 submissions from 2 submitters: Pathogenic (1). 1 of the submissions does not count toward it. Last evaluated 2023-04-09.

Conditions:
Megalencephalic leukoencephalopathy with subcortical cysts. Also called: VAN DER KNAAP DISEASE. Identifiers: Orphanet 2478, MedGen C1858854, MONDO:0011391.

Allele frequency attached by ClinVar (database versions not stated): gnomAD exomes below 0.00001; ExAC 0.00001.
gnomAD v4.1: 1 of 1,613,338 alleles (0.000062%); highest among the groups gnomAD compares: South Asian, 0.0011%; no homozygotes.

Submissions (2):

Labcorp Genetics (formerly Invitae), Labcorp
Classification: Pathogenic. Last evaluated: 2023-04-09. Review status: criteria provided, single submitter. Criteria: Invitae Variant Classification Sherloc (09022015). Collection method: clinical testing. Allele origin: germline.
Comment: This sequence change creates a premature translational stop signal (p.Trp234*) in the MLC1 gene. It is expected to result in an absent or disrupted protein product. Loss-of-function variants in MLC1 are known to be pathogenic (PMID: 11254442, 16470554, 24824219). This variant is present in population databases (rs781004589, gnomAD 0.003%). For these reasons, this variant has been classified as Pathogenic. Algorithms developed to predict the effect of sequence changes on RNA splicing suggest that this variant may disrupt the consensus splice site. ClinVar contains an entry for this variant (Variation ID: 843939). This premature translational stop signal has been observed in individual(s) with clinical features of megalencephalic leukoencephalopathy with subcortical cysts (PMID: 25497041).

Natera, Inc.
Classification: Pathogenic for Megalencephalic leukoencephalopathy with subcortical cysts. Last evaluated: 2020-09-16. Review status: no assertion criteria provided. Collection method: clinical testing. Allele origin: germline. Not counted in ClinVar's aggregate classification.

Literature cited by the submitters: PubMed 11254442 (cited by Labcorp Genetics (formerly Invitae), Labcorp); PubMed 16470554 (cited by Labcorp Genetics (formerly Invitae), Labcorp); PubMed 24824219 (cited by Labcorp Genetics (formerly Invitae), Labcorp); PubMed 25497041 (cited by Labcorp Genetics (formerly Invitae), Labcorp).